The following is an entry in ClinVar:

ClinVar aggregate classification (germline): Uncertain significance (1 of 4 stars; one submission).

Submission:

GeneDx
Classification: Uncertain significance. Last evaluated: 2016-03-21. Review status: criteria provided, single submitter. Criteria: GeneDx Variant Classification (06012015). Collection method: clinical testing. Allele origin: germline. Affected: yes.
Comment: The C1378R variant of uncertain significance has not been published as a pathogenic variant, nor has it been reported as a benign variant to our knowledge. The C1378R variant was not observed in approximately 6,500 individuals of European and African American ancestry in the NHLBI Exome Sequencing Project, indicating it is not a common benign variant in these populations. The C1378R variant is a non-conservative amino acid substitution, which is likely to impact secondary protein structure as these residues differ in polarity, charge, size and/or other properties. This substitution occurs at a position that is conserved across species, and in silico analysis predicts this variant is likely to alter the protein structure/function. Furthermore, two different missense variants in a nearby residue (C1384Y, C1384F) have been reported in the Human Gene Mutation Database in association with congenital contractural acrachnodactyly (CCA). Moreover, the C1378R affects a Cysteine residue within a calcium-binding EGF-like domain of the FBN2 gene, which may affect disulfide bonding and is predicted to alter the structure and function of the protein. Cysteine substitutions in the calcium-binding EGF-like domains represent the majority of pathogenic missense changes associated with CCA (Collod-Beroud et al., 2003; FrÃ©dÃ©ric et al.,2009). In summary, the C1378R variant has not been reported in the published literature. Although several bioinformatics tools predict this substitution may be damaging to the native protein, functional studies have not been performed. Based on the currently available information, it is unclear whether theC1378R variant in the FBN2 gene is a pathogenic variant or a rare benign variant.

NM_001999.4(FBN2):c.4132T>C (p.Cys1378Arg)

Gene: FBN2 (fibrillin 2; minus strand). Cytogenetic location: 5q23.3.
Variant type: single nucleotide variant.
Coding change: c.4132T>C on transcript NM_001999.4 (MANE Select); coding-DNA position 4132, T replaced by C.
Protein change: p.Cys1378Arg; replaces cysteine 1378 with arginine.
Molecular consequence: missense variant.
Genome position (GRCh38, 1-based): chr5:128,333,002, A>G on the plus strand (T>C on the coding strand, the complement: FBN2 is on the minus strand). VCF-style: chr5-128333002-A-G. GRCh37 (hg19) VCF-style: chr5-127668694-A-G.
Other names: short protein forms C1378R.
Identifiers: ClinVar variation 213408 (VCV000213408.2), dbSNP rs863223606, ClinGen allele CA324975.
Genomic context (GRCh38, chr5:128,333,002, plus strand): 5'-CTTCTCTGCAGCTACACTTGAAGCTTCCTGGGATATTCAGACATGAGGCATGCATGTCGC[A>G]GTTATGAGCACCAATTTCACACTCATCCACATCTGATAAACCATAATTCATAAGAAGAAA-3'
Protein context (NP_001990.2, residues 1368-1388): VDECEIGAHN[Cys1378Arg]DMHASCLNIP